The following is an entry in ClinVar:

ClinVar aggregate classification (germline): Conflicting classifications of pathogenicity. Review status: criteria provided, conflicting classifications (1 of 4 stars). 4 submissions from 4 submitters: Likely pathogenic (1); Uncertain significance (3). Last evaluated 2025-12-29.

Conditions:
Familial cancer of breast. Also called: hereditary breast carcinoma; BREAST CANCER, FAMILIAL; Hereditary breast cancer. Identifiers: Orphanet 227535, MedGen C0346153, MONDO:0016419, OMIM 114480. Disease mechanism: loss of function.
Hereditary cancer-predisposing syndrome. Also called: Tumor predisposition; Hereditary neoplastic syndrome; Neoplastic Syndromes, Hereditary; Hereditary Cancer Syndrome. Identifiers: Orphanet 140162, MedGen C0027672, MeSH D009386, MONDO:0015356.

Allele frequency attached by ClinVar (database versions not stated): gnomAD 0.00001; gnomAD exomes 0.00001; ExAC 0.00003.
gnomAD v4.1: 5 of 1,613,614 alleles (0.00031%); highest among the groups gnomAD compares: Non-Finnish European, 0.00034%; no homozygotes.

Submissions (4):

Center for Genomic Medicine, Rigshospitalet, Copenhagen University Hospital
Classification: Uncertain significance. Last evaluated: 2025-12-29. Review status: criteria provided, single submitter. Criteria: ACMG Guidelines, 2015. Collection method: clinical testing. Allele origin: germline.

Labcorp Genetics (formerly Invitae), Labcorp
Classification: Uncertain significance for Familial cancer of breast. Last evaluated: 2025-11-17. Review status: criteria provided, single submitter. Criteria: Invitae Variant Classification Sherloc (09022015). Collection method: clinical testing. Allele origin: germline.
Comment: This sequence change replaces glutamic acid, which is acidic and polar, with lysine, which is basic and polar, at codon 107 of the CHEK2 protein (p.Glu107Lys). This variant also falls at the last nucleotide of exon 2, which is part of the consensus splice site for this exon. This variant is present in population databases (rs775320614, gnomAD 0.003%). This missense change has been observed in individual(s) with breast cancer (PMID: 30303537). ClinVar contains an entry for this variant (Variation ID: 856789). An algorithm developed to predict the effect of missense changes on protein structure and function (PolyPhen-2) suggests that this variant is likely to be tolerated. Variants that disrupt the consensus splice site are a relatively common cause of aberrant splicing (PMID: 17576681, 9536098). Algorithms developed to predict the effect of sequence changes on RNA splicing suggest that this variant may disrupt the consensus splice site. In summary, the available evidence is currently insufficient to determine the role of this variant in disease. Therefore, it has been classified as a Variant of Uncertain Significance.

Myriad Genetics, Inc.
Classification: Likely pathogenic for Familial cancer of breast. Last evaluated: 2025-09-24. Review status: criteria provided, single submitter. Criteria: Myriad Autosomal Dominant, Autosomal Recessive and X-Linked Classification Criteria (2023). Collection method: clinical testing. Allele origin: unknown.
Comment: This variant is considered likely pathogenic. mRNA analysis has demonstrated abnormal mRNA splicing occurs [Myriad internal data].

Ambry Genetics
Classification: Uncertain significance for Hereditary cancer-predisposing syndrome. Last evaluated: 2025-06-12. Review status: criteria provided, single submitter. Criteria: Ambry Variant Classification Scheme 2023. Collection method: clinical testing. Allele origin: germline.
Comment: The p.E107K variant (also known as c.319G>A), located in coding exon 1 of the CHEK2 gene, results from a G to A substitution at nucleotide position 319. The amino acid change results in glutamic acid to lysine at codon 107, an amino acid with similar properties. However, this change occurs in the last base pair of coding exon 1, which makes it likely to have some effect on normal mRNA splicing. This alteration was identified in 1/1207 individuals diagnosed with breast cancer (Girard E et al. Int J Cancer, 2019 04;144:1962-1974). This nucleotide position is highly conserved in available vertebrate species. This amino acid position is not well conserved in available vertebrate species. In silico splice site analysis predicts that this alteration will not have any significant effect on splicing. RNA studies demonstrated this variant has an incomplete impact on splicing (Ambry internal data; Sanoguera-Miralles L et al. Clin Chem 2024 Jan;70(1):319-338.). In addition, as a missense substitution, this alteration is predicted to be tolerated by in silico analysis. Based on the available evidence, the clinical significance of this variant remains unclear.

Literature cited by the submitters: PubMed 37725924 (cited by Center for Genomic Medicine, Rigshospitalet, Copenhagen University Hospital and Ambry Genetics); PubMed 39146382 (cited by Center for Genomic Medicine, Rigshospitalet, Copenhagen University Hospital); PubMed 30303537 (cited by 3 submitters); PubMed 17576681 (cited by Labcorp Genetics (formerly Invitae), Labcorp); PubMed 9536098 (cited by Labcorp Genetics (formerly Invitae), Labcorp).

NM_007194.4(CHEK2):c.319G>A (p.Glu107Lys)

Gene: CHEK2 (checkpoint kinase 2; minus strand). Cytogenetic location: 22q12.1.
Variant type: single nucleotide variant.
Coding change: c.319G>A on transcript NM_007194.4 (MANE Select); coding-DNA position 319, G replaced by A.
Protein change: p.Glu107Lys; replaces glutamic acid 107 with lysine.
Molecular consequence: missense variant.
Genome position (GRCh38, 1-based): chr22:28,734,403, C>T on the plus strand (G>A on the coding strand, the complement: CHEK2 is on the minus strand). VCF-style: chr22-28734403-C-T. GRCh37 (hg19) VCF-style: chr22-29130391-C-T.
Other names: c.319G>A, p.Glu107Lys (NM_001005735.3, NM_001349956.3, NM_145862.3); c.-459G>A (NM_001257387.3); short protein forms E107K.
Identifiers: ClinVar variation 856789 (VCV000856789.18), dbSNP rs775320614, ClinGen allele CA10168046.